The following is an entry in ClinVar:

NM_000170.3(GLDC):c.793del (p.Gln265fs)

Gene: GLDC (glycine decarboxylase; minus strand). Cytogenetic location: 9p24.1.
Variant type: Deletion.
Coding change: c.793del on transcript NM_000170.3 (MANE Select); coding-DNA position 793, one base deleted (C; older notation c.793delC).
Protein change: p.Gln265fs; shifts the reading frame from glutamine 265.
Molecular consequence: frameshift variant.
Genome position (GRCh38, 1-based): chr9:6,605,199, G deleted on the plus strand (C on the coding strand, the reverse complement: GLDC is on the minus strand); the first of 2 consecutive G bases (chr9:6,605,199-6,605,200); deleting either gives the same sequence. VCF-style (leftmost placement, unchanged base first): chr9-6605198-TG-T. GRCh37 (hg19) VCF-style: chr9-6605198-TG-T.
Other names: p.Gln265Serfs*33; c.793delC (NM_000170.2); c.793del (NM_000170.2); short protein forms Q265fs.
Identifiers: ClinVar variation 56103 (VCV000056103.14), dbSNP rs386833586, ClinGen allele CA263438.
Genomic context (GRCh38, chr9:6,605,198, plus strand): 5'-TGATGAGCTCTCTCCACGAGTTCCGTAAAGTCTTCCACCTTCCCCTCCGTGTCTGGGTAC[TG>T]GAACAACACTCCACTGACATCTTTTCCACTGAAGTCCATTTCACAGGGTAACTTCAGCTC-3'

ClinVar aggregate classification (germline): Pathogenic/Likely pathogenic. Review status: criteria provided, multiple submitters, no conflicts (2 of 4 stars). 7 submissions from 7 submitters: Pathogenic (3); Likely pathogenic (2). 2 of the submissions do not count toward it. Last evaluated 2025-02-16.

Conditions:
Glycine encephalopathy 1 (GCE1). Identifiers: MedGen CN376801, MONDO:0958179, OMIM 605899.
Glycine encephalopathy. Also called: Nonketotic hyperglycinemia; Non-ketotic hyperglycinemia. Identifiers: Orphanet 407, MedGen C0751748, MONDO:0011612, HP:0008288.

Submissions (7):

Natera, Inc.
Classification: Likely pathogenic for Non-ketotic hyperglycinemia. Last evaluated: 2025-02-16. Review status: criteria provided, single submitter. Criteria: Natera Variant Classification Schema (03/2026). Collection method: clinical testing. Allele origin: germline.
Comment: The c.793delC variant in GLDC is a frameshift variant predicted to shift the reading frame beginning at codon 265 and leads to a stop codon 33 codons downstream. This variant is expected to result in nonsense mediated decay, truncation, or a dysfunctional protein product. This variant is rare in the general population with a frequency below the threshold expected for the associated phenotype(s). Given the available evidence, this variant is classified as Likely Pathogenic.

Mayo Clinic Laboratories, Mayo Clinic
Classification: Pathogenic. Last evaluated: 2024-11-28. Review status: criteria provided, single submitter. Criteria: ACMG Guidelines, 2015. Collection method: clinical testing. Allele origin: germline. Observed: 1 variant allele.
Comment: PP4, PM2_supporting, PVS1

Labcorp Genetics (formerly Invitae), Labcorp
Classification: Pathogenic for Glycine encephalopathy. Last evaluated: 2024-10-31. Review status: criteria provided, single submitter. Criteria: Invitae Variant Classification Sherloc (09022015). Collection method: clinical testing. Allele origin: germline.
Comment: This sequence change creates a premature translational stop signal (p.Gln265Serfs*33) in the GLDC gene. It is expected to result in an absent or disrupted protein product. Loss-of-function variants in GLDC are known to be pathogenic (PMID: 16601880). This variant is present in population databases (rs386833586, gnomAD 0.002%). This premature translational stop signal has been observed in individual(s) with nonketotic hyperglycinemia (PMID: 16450403). ClinVar contains an entry for this variant (Variation ID: 56103). For these reasons, this variant has been classified as Pathogenic.

GeneDx
Classification: Likely pathogenic. Last evaluated: 2024-07-12. Review status: criteria provided, single submitter. Criteria: GeneDx Variant Classification Process June 2021. Collection method: clinical testing. Allele origin: germline. Affected: yes.
Comment: Frameshift variant predicted to result in protein truncation or nonsense mediated decay in a gene for which loss of function is a known mechanism of disease; Not observed at significant frequency in large population cohorts (gnomAD); This variant is associated with the following publications: (PMID: 16450403)

Baylor Genetics
Classification: Pathogenic for Glycine encephalopathy 1. Review status: criteria provided, single submitter. Criteria: ACMG Guidelines, 2015. Collection method: clinical testing. Allele origin: germline.

Counsyl
Classification: Likely pathogenic for Glycine encephalopathy 1. Last evaluated: 2017-04-19. Review status: no assertion criteria provided. Collection method: clinical testing. Allele origin: unknown. Not counted in ClinVar's aggregate classification.

Juha Muilu Group; Institute for Molecular Medicine Finland (FIMM)
Classification: Likely pathogenic for Non-ketotic hyperglycinemia. Review status: no assertion criteria provided. Collection method: not provided. Allele origin: unknown. Not counted in ClinVar's aggregate classification.
Comment: FinDis database variant: This variant was not found or characterized by our laboratory, data were collected from public sources: see reference
ClinVar note: Converted during submission from probable-pathogenic to Likely pathogenic.

Literature cited by the submitters: PubMed 16450403 (cited by 3 submitters); PubMed 16601880 (cited by Labcorp Genetics (formerly Invitae), Labcorp).